The following is an entry in ClinVar:

ClinVar aggregate classification (germline): Uncertain significance. Review status: criteria provided, multiple submitters, no conflicts (2 of 4 stars). 2 submissions from 2 submitters: Uncertain significance (2). Last evaluated 2024-04-11.

Allele frequency attached by ClinVar (database versions not stated): gnomAD exomes 0.00001.
gnomAD v4.1: 4 of 1,614,022 alleles (0.00025%); highest among the groups gnomAD compares: Non-Finnish European, 0.00034%; no homozygotes.

Submissions (2):

Labcorp Genetics (formerly Invitae), Labcorp
Classification: Uncertain significance. Last evaluated: 2024-04-11. Review status: criteria provided, single submitter. Criteria: Invitae Variant Classification Sherloc (09022015). Collection method: clinical testing. Allele origin: germline.
Comment: This sequence change replaces proline, which is neutral and non-polar, with leucine, which is neutral and non-polar, at codon 225 of the NPAT protein (p.Pro225Leu). This variant is not present in population databases (gnomAD no frequency). This variant has not been reported in the literature in individuals affected with NPAT-related conditions. ClinVar contains an entry for this variant (Variation ID: 1755229). An algorithm developed to predict the effect of missense changes on protein structure and function (PolyPhen-2) suggests that this variant is likely to be disruptive. In summary, the available evidence is currently insufficient to determine the role of this variant in disease. Therefore, it has been classified as a Variant of Uncertain Significance.

Ambry Genetics
Classification: Uncertain significance. Last evaluated: 2022-03-04. Review status: criteria provided, single submitter. Criteria: Ambry Variant Classification Scheme 2023. Collection method: clinical testing. Allele origin: germline.
Comment: The p.P225L variant (also known as c.674C>T), located in coding exon 8 of the NPAT gene, results from a C to T substitution at nucleotide position 674. The proline at codon 225 is replaced by leucine, an amino acid with similar properties. This amino acid position is conserved. In addition, this alteration is predicted to be tolerated by in silico analysis. Since supporting evidence is limited at this time, the clinical significance of this alteration remains unclear.

NM_002519.3(NPAT):c.674C>T (p.Pro225Leu)

Gene: NPAT (nuclear protein, coactivator of histone transcription; minus strand). Cytogenetic location: 11q22.3.
Variant type: single nucleotide variant.
Coding change: c.674C>T on transcript NM_002519.3 (MANE Select); coding-DNA position 674, C replaced by T.
Protein change: p.Pro225Leu; replaces proline 225 with leucine.
Molecular consequence: missense variant.
Genome position (GRCh38, 1-based): chr11:108,186,534, G>A on the plus strand (C>T on the coding strand, the complement: NPAT is on the minus strand). VCF-style: chr11-108186534-G-A. GRCh37 (hg19) VCF-style: chr11-108057261-G-A.
Other names: c.674C>T, p.Pro225Leu (NM_001321307.1); short protein forms P225L.
Identifiers: ClinVar variation 1755229 (VCV001755229.4), dbSNP rs1167368965, ClinGen allele CA382522384.